The following is an entry in ClinVar:

ClinVar aggregate classification (germline): Uncertain significance. Review status: criteria provided, multiple submitters, no conflicts (2 of 4 stars). 2 submissions from 2 submitters: Uncertain significance (2). Last evaluated 2026-01-01.

Conditions:
Alstrom syndrome (ALMS). Identifiers: Orphanet 64, MedGen C0268425, MONDO:0008763, OMIM 203800.

Allele frequency attached by ClinVar (database versions not stated): gnomAD exomes below 0.00001.
gnomAD v4.1: 2 of 1,614,034 alleles (0.00012%); highest among the groups gnomAD compares: Non-Finnish European, 0.00017%; no homozygotes.

Submissions (2):

CeGaT Center for Human Genetics Tuebingen
Classification: Uncertain significance. Last evaluated: 2026-01-01. Review status: criteria provided, single submitter. Criteria: CeGaT Center For Human Genetics Tuebingen Variant Classification Criteria Version 2. Collection method: clinical testing. Allele origin: germline. Affected: yes. Observed: 1 variant allele.
Comment: ALMS1: PM2, BP4

Labcorp Genetics (formerly Invitae), Labcorp
Classification: Uncertain significance for Alstrom syndrome. Last evaluated: 2022-05-25. Review status: criteria provided, single submitter. Criteria: Invitae Variant Classification Sherloc (09022015). Collection method: clinical testing. Allele origin: germline.
Comment: In summary, the available evidence is currently insufficient to determine the role of this variant in disease. Therefore, it has been classified as a Variant of Uncertain Significance. Algorithms developed to predict the effect of missense changes on protein structure and function output the following: SIFT: "Not Available"; PolyPhen-2: "Not Available"; Align-GVGD: "Not Available". The valine amino acid residue is found in multiple mammalian species, which suggests that this missense change does not adversely affect protein function. This variant has not been reported in the literature in individuals affected with ALMS1-related conditions. This variant is not present in population databases (gnomAD no frequency). This sequence change replaces alanine, which is neutral and non-polar, with valine, which is neutral and non-polar, at codon 1216 of the ALMS1 protein (p.Ala1216Val).

NM_001378454.1(ALMS1):c.3644C>T (p.Ala1215Val)

Gene: ALMS1 (ALMS1 centrosome and basal body associated protein; plus strand). Cytogenetic location: 2p13.1.
Variant type: single nucleotide variant.
Coding change: c.3644C>T on transcript NM_001378454.1 (MANE Select); coding-DNA position 3644, C replaced by T.
Protein change: p.Ala1215Val; replaces alanine 1215 with valine.
Molecular consequence: missense variant.
Genome position (GRCh38, 1-based): chr2:73,450,171, C>T. VCF-style: chr2-73450171-C-T. GRCh37 (hg19) VCF-style: chr2-73677298-C-T.
Other names: c.3647C>T, p.Ala1216Val (NM_015120.4); short protein forms A1216V, A1215V.
Identifiers: ClinVar variation 1903713 (VCV001903713.7), dbSNP rs2103779682, ClinGen allele CA347276118.